The following is an entry in ClinVar:

NM_001374828.1(ARID1B):c.5875A>G (p.Ser1959Gly)

Gene: ARID1B (AT-rich interaction domain 1B; plus strand). Cytogenetic location: 6q25.3.
Variant type: single nucleotide variant.
Coding change: c.5875A>G on transcript NM_001374828.1 (MANE Select); coding-DNA position 5875, A replaced by G.
Protein change: p.Ser1959Gly; replaces serine 1959 with glycine.
Molecular consequence: missense variant.
Genome position (GRCh38, 1-based): chr6:157,206,647, A>G. VCF-style: chr6-157206647-A-G. GRCh37 (hg19) VCF-style: chr6-157527781-A-G.
Other names: c.5626A>G, p.Ser1876Gly (NM_001346813.1); c.3376A>G, p.Ser1126Gly (NM_001363725.2); c.5755A>G, p.Ser1919Gly (NM_001371656.1, NM_001374820.1); c.5716A>G, p.Ser1906Gly (NM_017519.3); c.5506A>G, p.Ser1836Gly (NM_020732.3); c.5293A>G, p.Ser1765Gly (NM_175863.2); short protein forms S1126G, S1765G, S1836G, S1876G, S1906G, S1919G, S1959G.
Identifiers: ClinVar variation 2499028 (VCV002499028.31), dbSNP rs1794475164, ClinGen allele CA366247050.

ClinVar aggregate classification (germline): Conflicting classifications of pathogenicity. Review status: criteria provided, conflicting classifications (1 of 4 stars). 2 submissions from 2 submitters: Uncertain significance (1); Likely benign (1). Last evaluated 2025-09-28.

Allele frequency attached by ClinVar (database versions not stated): TOPMed below 0.00001.

Submissions (2):

Labcorp Genetics (formerly Invitae), Labcorp
Classification: Likely benign. Last evaluated: 2025-09-28. Review status: criteria provided, single submitter. Criteria: Invitae Variant Classification Sherloc (09022015). Collection method: clinical testing. Allele origin: germline.

CeGaT Center for Human Genetics Tuebingen
Classification: Uncertain significance. Last evaluated: 2023-01-01. Review status: criteria provided, single submitter. Criteria: CeGaT Center For Human Genetics Tuebingen Variant Classification Criteria Version 2. Collection method: clinical testing. Allele origin: germline. Affected: yes. Observed: 1 variant allele.
Comment: ARID1B: PM2